The following is an entry in ClinVar:

NM_001242896.3(DEPDC5):c.1123C>T (p.His375Tyr)

Gene: DEPDC5 (DEP domain containing 5, GATOR1 subcomplex subunit; plus strand). Cytogenetic location: 22q12.3.
Variant type: single nucleotide variant.
Coding change: c.1123C>T on transcript NM_001242896.3 (MANE Select); coding-DNA position 1123, C replaced by T.
Protein change: p.His375Tyr; replaces histidine 375 with tyrosine.
Molecular consequence: missense variant. On other transcripts: non-coding transcript variant (5).
Genome position (GRCh38, 1-based): chr22:31,804,203, C>T. VCF-style: chr22-31804203-C-T. GRCh37 (hg19) VCF-style: chr22-32200189-C-T.
Other names: c.1123C>T, p.His375Tyr (NM_001007188.4, NM_001136029.4, NM_001242897.2 and 7 more transcripts); c.1039C>T, p.His347Tyr (NM_001369901.1, NM_001369902.1); short protein forms H347Y, H375Y.
Identifiers: ClinVar variation 2102360 (VCV002102360.4), dbSNP rs2518914868, ClinGen allele CA411293449.

ClinVar aggregate classification (germline): Uncertain significance (1 of 4 stars; one submission).

Conditions:
Familial focal epilepsy with variable foci (FPEVF). Identifiers: Orphanet 98820, MedGen C1858477, MONDO:0020310.

Submission:

Labcorp Genetics (formerly Invitae), Labcorp
Classification: Uncertain significance for Familial focal epilepsy with variable foci. Last evaluated: 2022-02-23. Review status: criteria provided, single submitter. Criteria: Invitae Variant Classification Sherloc (09022015). Collection method: clinical testing. Allele origin: germline.
Comment: In summary, the available evidence is currently insufficient to determine the role of this variant in disease. Therefore, it has been classified as a Variant of Uncertain Significance. This sequence change replaces histidine, which is basic and polar, with tyrosine, which is neutral and polar, at codon 375 of the DEPDC5 protein (p.His375Tyr). This variant is not present in population databases (gnomAD no frequency). This variant has not been reported in the literature in individuals affected with DEPDC5-related conditions. Algorithms developed to predict the effect of missense changes on protein structure and function are either unavailable or do not agree on the potential impact of this missense change (SIFT: "Deleterious"; PolyPhen-2: "Not Available"; Align-GVGD: "Class C65").